The following is an entry in ClinVar:

NM_020774.4(MIB1):c.2192G>A (p.Trp731Ter)

Gene: MIB1 (MIB E3 ubiquitin protein ligase 1; plus strand). Cytogenetic location: 18q11.2.
Variant type: single nucleotide variant.
Coding change: c.2192G>A on transcript NM_020774.4 (MANE Select); coding-DNA position 2192, G replaced by A.
Protein change: p.Trp731Ter; replaces tryptophan 731 with a stop codon.
Molecular consequence: nonsense.
Genome position (GRCh38, 1-based): chr18:21,844,234, G>A. VCF-style: chr18-21844234-G-A. GRCh37 (hg19) VCF-style: chr18-19424195-G-A.
Other names: short protein forms W731*.
Identifiers: ClinVar variation 4883503 (VCV004883503.2).
Genomic context (GRCh38, chr18:21,844,234, plus strand): 5'-CTTTGTCTCAGCTACGTCAGCTCCAAGATATGCAAGATGTGGGGAAGGTGGATGCTGCCT[G>A]GGAGCCATCCAAAAACACGGTGAGTAAAGATCATCTTTCATTCAGTACCAGTGGAAGAAT-3'

ClinVar aggregate classification (germline): Uncertain significance (1 of 4 stars; one submission).

gnomAD v4.1: 2 of 1,614,070 alleles (0.00012%); highest among the groups gnomAD compares: Non-Finnish European, 0.00017%; no homozygotes.

Submission:

Dasa
Classification: Uncertain significance. Last evaluated: 2025-01-11. Review status: criteria provided, single submitter. Criteria: DASA Assertion Criteria. Collection method: clinical testing. Allele origin: germline.
Comment: NM_020774.4(MIB1):c.2192G>A (p.Trp731*) is a nonsense variant in MIB1 predicted to introduce a premature termination codon and is predicted to result in an absent or altered protein product. This variant is rare in population databases. The currently available literature and clinical evidence are not sufficient to establish a definitive association between this variant and the reported condition. Therefore, this variant is classified as a variant of uncertain significance.